The following is an entry in ClinVar:

ClinVar aggregate classification (germline): Uncertain significance (0 of 4 stars; one submission).

Conditions:
BCL11A-related disorder. Also called: BCL11A-related condition.

gnomAD v4.1: 1 of 1,613,140 alleles (0.000062%); highest among the groups gnomAD compares: Non-Finnish European, 0.000085%; no homozygotes.

Submission:

PreventionGenetics, part of Exact Sciences
Classification: Uncertain significance for BCL11A-related condition. Last evaluated: 2024-06-11. Review status: no assertion criteria provided. Collection method: clinical testing. Allele origin: germline.
Comment: The BCL11A c.1970C>T variant is predicted to result in the amino acid substitution p.Ser657Leu. To our knowledge, this variant has not been reported in the literature or in a large population database, indicating this variant is rare. At this time, the clinical significance of this variant is uncertain due to the absence of conclusive functional and genetic evidence.

NM_022893.4(BCL11A):c.1970C>T (p.Ser657Leu)

Gene: BCL11A (BCL11 transcription factor A; minus strand). Cytogenetic location: 2p16.1.
Variant type: single nucleotide variant.
Coding change: c.1970C>T on transcript NM_022893.4 (MANE Select); coding-DNA position 1970, C replaced by T.
Protein change: p.Ser657Leu; replaces serine 657 with leucine.
Molecular consequence: missense variant. On other transcripts: intron variant (6).
Genome position (GRCh38, 1-based): chr2:60,460,942, G>A on the plus strand (C>T on the coding strand, the complement: BCL11A is on the minus strand). VCF-style: chr2-60460942-G-A. GRCh37 (hg19) VCF-style: chr2-60688077-G-A.
Other names: c.1868C>T, p.Ser623Leu (NM_001363864.1, NM_001365609.1, NM_001405711.1 and 2 more transcripts); c.1970C>T, p.Ser657Leu (NM_001405708.1, NM_001405709.1, NM_001405710.1 and 1 more transcripts); c.1814C>T, p.Ser605Leu (NM_001405713.1, NM_001405714.1, NM_001405715.1 and 3 more transcripts); c.1712C>T, p.Ser571Leu (NM_001405717.1, NM_001405718.1, NM_001405724.1); c.1637C>T, p.Ser546Leu (NM_001405720.1, NM_001405721.1); c.1514C>T, p.Ser505Leu (NM_001405725.1, NM_001405726.1, NM_001405727.1 and 1 more transcripts); c.1277C>T, p.Ser426Leu (NM_001405729.1); c.1433C>T, p.Ser478Leu (NM_001405730.1); and 5 more; short protein forms S326L, S426L, S478L, S505L, S546L, S571L, S605L, S623L.
Identifiers: ClinVar variation 3347197 (VCV003347197.1).